The following is an entry in ClinVar:

ClinVar aggregate classification (germline): Benign/Likely benign. Review status: criteria provided, multiple submitters, no conflicts (2 of 4 stars). 5 submissions from 5 submitters: Benign (1); Likely benign (3). 1 of the submissions does not count toward it. Last evaluated 2026-01-27.

Conditions:
POLD1-related disorder. Also called: POLD1-related disorders; POLD1-related condition.
Hereditary cancer-predisposing syndrome. Also called: Neoplastic Syndromes, Hereditary; Hereditary neoplastic syndrome; Hereditary Cancer Syndrome; Tumor predisposition. Identifiers: Orphanet 140162, MedGen C0027672, MeSH D009386, MONDO:0015356.
POLD1-related polyposis and colorectal cancer syndrome (CRCS10). Also called: Colorectal cancer, susceptibility to, 10; Colorectal cancer 10; COLORECTAL CANCER, SUSCEPTIBILITY TO, ON CHROMOSOME 19q. Identifiers: Orphanet 220460, MedGen C2675481, MONDO:0012953, OMIM 612591.

Allele frequency attached by ClinVar (database versions not stated): ExAC 0.00002; gnomAD exomes 0.00002; gnomAD 0.00003.
gnomAD v4.1: 32 of 1,594,456 alleles (0.002%); highest among the groups gnomAD compares: Middle Eastern, 0.022%; no homozygotes.

Submissions (5):

Labcorp Genetics (formerly Invitae), Labcorp
Classification: Likely benign for POLD1-related polyposis and colorectal cancer syndrome. Last evaluated: 2026-01-27. Review status: criteria provided, single submitter. Criteria: Invitae Variant Classification Sherloc (09022015). Collection method: clinical testing. Allele origin: germline.

Myriad Genetics, Inc.
Classification: Benign for POLD1-related polyposis and colorectal cancer syndrome. Last evaluated: 2025-02-05. Review status: criteria provided, single submitter. Criteria: Myriad Autosomal Dominant, Autosomal Recessive and X-Linked Classification Criteria (2023). Collection method: clinical testing. Allele origin: unknown.
Comment: This variant is considered benign. This variant is a silent/synonymous amino acid change and it is not expected to impact splicing.

GeneDx
Classification: Likely benign. Last evaluated: 2019-01-15. Review status: criteria provided, single submitter. Criteria: GeneDx Variant Classification Process June 2021. Collection method: clinical testing. Allele origin: germline. Affected: yes.

Ambry Genetics
Classification: Likely benign for Hereditary cancer-predisposing syndrome. Last evaluated: 2015-10-09. Review status: criteria provided, single submitter. Criteria: Ambry Variant Classification Scheme 2023. Collection method: clinical testing. Allele origin: germline.

PreventionGenetics, part of Exact Sciences
Classification: Likely benign for POLD1-related condition. Last evaluated: 2023-09-19. Review status: no assertion criteria provided. Collection method: clinical testing. Allele origin: germline. Not counted in ClinVar's aggregate classification.
Comment: This variant is classified as likely benign based on ACMG/AMP sequence variant interpretation guidelines (Richards et al. 2015 PMID: 25741868, with internal and published modifications).

NM_002691.4(POLD1):c.951C>T (p.Ile317=)

Gene: POLD1 (DNA polymerase delta 1, catalytic subunit; plus strand). Cytogenetic location: 19q13.33.
Variant type: single nucleotide variant.
Coding change: c.951C>T on transcript NM_002691.4 (MANE Select); coding-DNA position 951, C replaced by T.
Protein change: p.Ile317=; no amino-acid change (isoleucine 317 retained).
Molecular consequence: synonymous variant. On other transcripts: non-coding transcript variant (1).
Genome position (GRCh38, 1-based): chr19:50,402,722, C>T. VCF-style: chr19-50402722-C-T. GRCh37 (hg19) VCF-style: chr19-50905979-C-T.
Other names: c.951C>T, p.Ile317= (NM_001256849.1, NM_001308632.1).
Identifiers: ClinVar variation 389360 (VCV000389360.22), dbSNP rs771902654, ClinGen allele CA9595962.